The following is an entry in ClinVar:

ClinVar aggregate classification (germline): Uncertain significance. Review status: criteria provided, multiple submitters, no conflicts (2 of 4 stars). 3 submissions from 3 submitters: Uncertain significance (3). Last evaluated 2025-12-21.

Conditions:
Familial thoracic aortic aneurysm and aortic dissection (TAAD). Also called: Thoracic aortic aneurysms and dissections. Identifiers: Orphanet 91387, MedGen C4707243, MONDO:0019625.
Ehlers-Danlos syndrome, type 4 (EDSVASC). Also called: Ehlers-Danlos Syndrome Type IV; Ehlers-Danlos syndrome vascular type; Ehlers Danlos syndrome, ecchymotic type; Ehlers Danlos syndrome, arterial type; Ehlers Danlos syndrome, Sack-Barabas type. Identifiers: Orphanet 286, MedGen C0268338, MONDO:0017314, OMIM 130050.

Allele frequency attached by ClinVar (database versions not stated): gnomAD exomes below 0.00001; gnomAD 0.00001; TOPMed 0.00001.
gnomAD v4.1: 3 of 1,614,016 alleles (0.00019%); highest among the groups gnomAD compares: African/African-American, 0.004%; no homozygotes.

Submissions (3):

Ambry Genetics
Classification: Uncertain significance for Familial thoracic aortic aneurysm and aortic dissection. Last evaluated: 2025-12-21. Review status: criteria provided, single submitter. Criteria: Ambry Variant Classification Scheme 2023. Collection method: clinical testing. Allele origin: germline.
Comment: The p.D1033V variant (also known as c.3098A>T), located in coding exon 43 of the COL3A1 gene, results from an A to T substitution at nucleotide position 3098. The aspartic acid at codon 1033 is replaced by valine, an amino acid with highly dissimilar properties. This amino acid position is conserved. In addition, this alteration is predicted to be deleterious by in silico analysis. Based on the available evidence, the clinical significance of this variant remains unclear.

Color Diagnostics, LLC DBA Color Health
Classification: Uncertain significance for Familial thoracic aortic aneurysm and aortic dissection. Last evaluated: 2024-03-06. Review status: criteria provided, single submitter. Criteria: ACMG Guidelines, 2015. Collection method: clinical testing. Allele origin: germline.
Comment: This missense variant replaces aspartic acid with valine at codon 1033 of the COL3A1 protein. Computational prediction tool suggests that this variant may have deleterious impact on protein structure and function (internally defined REVEL score threshold >=0.7, PMID: 27666373). Splice site prediction tools suggest that this variant may not impact RNA splicing. To our knowledge, functional studies have not been performed for this variant. This variant has not been reported in individuals affected with cardiovascular disorders in the literature. This variant has been identified in 1/251394 chromosomes in the general population by the Genome Aggregation Database (gnomAD). The available evidence is insufficient to determine the role of this variant in disease conclusively. Therefore, this variant is classified as a Variant of Uncertain Significance.

Labcorp Genetics (formerly Invitae), Labcorp
Classification: Uncertain significance for Ehlers-Danlos syndrome, type 4. Last evaluated: 2016-09-02. Review status: criteria provided, single submitter. Criteria: Invitae Variant Classification Sherloc (09022015). Collection method: clinical testing. Allele origin: germline.
Comment: In summary, this variant is a novel missense change with uncertain impact on protein function. It has been classified as a Variant of Uncertain Significance. Algorithms developed to predict the effect of missense changes on protein structure and function do not agree on the potential impact of this missense change (SIFT: "Deleterious"; PolyPhen-2: "Probably Damaging"; Align-GVGD: "Class C0"). This variant is not present in population databases (ExAC no frequency) and has not been reported in the literature in individuals with a COL3A1-related disease. This sequence change replaces aspartic acid with valine at codon 1033 of the COL3A1 protein (p.Asp1033Val). The aspartic acid residue is moderately conserved and there is a large physicochemical difference between aspartic acid and valine.

NM_000090.4(COL3A1):c.3098A>T (p.Asp1033Val)

Gene: COL3A1 (collagen type III alpha 1 chain; plus strand). Cytogenetic location: 2q32.2.
Variant type: single nucleotide variant.
Coding change: c.3098A>T on transcript NM_000090.4 (MANE Select); coding-DNA position 3098, A replaced by T.
Protein change: p.Asp1033Val; replaces aspartic acid 1033 with valine.
Molecular consequence: missense variant.
Genome position (GRCh38, 1-based): chr2:189,006,349, A>T. VCF-style: chr2-189006349-A-T. GRCh37 (hg19) VCF-style: chr2-189871075-A-T.
Other names: short protein forms D1033V.
Identifiers: ClinVar variation 404309 (VCV000404309.14), dbSNP rs1060500206, ClinGen allele CA16610637.